The following is an entry in ClinVar:

ClinVar aggregate classification (germline): Likely benign. Review status: criteria provided, multiple submitters, no conflicts (2 of 4 stars). 2 submissions from 2 submitters: Likely benign (2). Last evaluated 2026-01-01.

Submissions (2):

CeGaT Center for Human Genetics Tuebingen
Classification: Likely benign. Last evaluated: 2026-01-01. Review status: criteria provided, single submitter. Criteria: CeGaT Center For Human Genetics Tuebingen Variant Classification Criteria Version 2. Collection method: clinical testing. Allele origin: germline. Affected: yes. Observed: 1 variant allele.
Comment: FBXO11: BP4, BP7

Labcorp Genetics (formerly Invitae), Labcorp
Classification: Likely benign. Last evaluated: 2021-10-12. Review status: criteria provided, single submitter. Criteria: Invitae Variant Classification Sherloc (09022015). Collection method: clinical testing. Allele origin: germline.

NM_001190274.2(FBXO11):c.105G>T (p.Pro35=)

Genes: FBXO11 (F-box protein 11; minus strand), LOC100506235 (uncharacterized LOC100506235; plus strand). Cytogenetic location: 2p16.3.
Variant type: single nucleotide variant.
Coding change: c.105G>T on transcript NM_001190274.2 (MANE Select); coding-DNA position 105, G replaced by T.
Protein change: p.Pro35=; no amino-acid change (proline 35 retained).
Molecular consequence: synonymous variant.
Genome position (GRCh38, 1-based): chr2:47,905,616, C>A on the plus strand (G>T on the coding strand, the complement: FBXO11 is on the minus strand). VCF-style: chr2-47905616-C-A. GRCh37 (hg19) VCF-style: chr2-48132755-C-A.
Identifiers: ClinVar variation 1609984 (VCV001609984.12), dbSNP rs1373677826, ClinGen allele CA426085592.